The following is an entry in ClinVar:

NM_001127511.3(APC):c.-150G>C

Gene: APC (APC regulator of Wnt signaling pathway; plus strand). Cytogenetic location: 5q22.2.
Variant type: single nucleotide variant.
Coding change: c.-150G>C on transcript NM_001127511.3; 150 bases upstream of the start codon, G replaced by C.
Molecular consequence: 5 prime UTR variant. On other transcripts: non-coding transcript variant (2).
Genome position (GRCh38, 1-based): chr5:112,707,568, G>C. VCF-style: chr5-112707568-G-C. GRCh37 (hg19) VCF-style: chr5-112043265-G-C.
Other names: c.-333G>C (NM_001354895.2, NM_001407447.1, NM_001407452.1 and 3 more transcripts); c.-150G>C (NM_001354897.2, NM_001354902.2, NM_001407446.1); c.-100G>C (NM_001407448.1, NM_001407450.1, NM_001407457.1 and 1 more transcripts); c.-124G>C (NM_001407453.1); c.-1368G>C (NM_001407470.1, NM_001407472.1).
Identifiers: ClinVar variation 659295 (VCV000659295.10), dbSNP rs1459755551, ClinGen allele CA915943582.
Genomic context (GRCh38, chr5:112,707,568, plus strand): 5'-CTTCCCACCTCCCACAAGATGGCGGAGGGCAAGTAGCAAGGGGGCGGGGTGTGGCCGCCG[G>C]AAGCCTAGCCGCTGCTCGGGGGGGACCTGCGGGCTCAGGCCCGGGAGCTGCGGACCGAGG-3'

ClinVar aggregate classification (germline): Uncertain significance (1 of 4 stars; one submission).

Conditions:
Familial adenomatous polyposis 1 (FAP1). Also called: FAMILIAL ADENOMATOUS POLYPOSIS 1, ATTENUATED; POLYPOSIS, ADENOMATOUS INTESTINAL. Identifiers: MedGen C2713442, MONDO:0021056, OMIM 175100. Disease mechanism: loss of function.

Submission:

Labcorp Genetics (formerly Invitae), Labcorp
Classification: Uncertain significance for Familial adenomatous polyposis 1. Last evaluated: 2024-11-18. Review status: criteria provided, single submitter. Criteria: Invitae Variant Classification Sherloc (09022015). Collection method: clinical testing. Allele origin: germline.
Comment: This variant occurs in a non-coding region of the APC gene. It does not change the encoded amino acid sequence of the APC protein. This variant is not present in population databases (gnomAD no frequency). This variant has not been reported in the literature in individuals affected with APC-related conditions. ClinVar contains an entry for this variant (Variation ID: 659295). Experimental studies and prediction algorithms are not available or were not evaluated, and the functional significance of this variant is currently unknown. In summary, the available evidence is currently insufficient to determine the role of this variant in disease. Therefore, it has been classified as a Variant of Uncertain Significance.